The following is an entry in ClinVar:

ClinVar aggregate classification (germline): Uncertain significance (1 of 4 stars; one submission).

Allele frequency attached by ClinVar (database versions not stated): gnomAD exomes below 0.00001.
gnomAD v4.1: 2 of 1,614,186 alleles (0.00012%); highest among the groups gnomAD compares: South Asian, 0.0022%; no homozygotes.

Submission:

Labcorp Genetics (formerly Invitae), Labcorp
Classification: Uncertain significance. Last evaluated: 2024-01-29. Review status: criteria provided, single submitter. Criteria: Invitae Variant Classification Sherloc (09022015). Collection method: clinical testing. Allele origin: germline.
Comment: This sequence change replaces asparagine, which is neutral and polar, with serine, which is neutral and polar, at codon 135 of the IGF1R protein (p.Asn135Ser). This variant is not present in population databases (gnomAD no frequency). This variant has not been reported in the literature in individuals affected with IGF1R-related conditions. Advanced modeling of protein sequence and biophysical properties (such as structural, functional, and spatial information, amino acid conservation, physicochemical variation, residue mobility, and thermodynamic stability) performed at Invitae indicates that this missense variant is not expected to disrupt IGF1R protein function with a negative predictive value of 80%. In summary, the available evidence is currently insufficient to determine the role of this variant in disease. Therefore, it has been classified as a Variant of Uncertain Significance.

NM_000875.5(IGF1R):c.404A>G (p.Asn135Ser)

Gene: IGF1R (insulin like growth factor 1 receptor; plus strand). Cytogenetic location: 15q26.3.
Variant type: single nucleotide variant.
Coding change: c.404A>G on transcript NM_000875.5 (MANE Select); coding-DNA position 404, A replaced by G.
Protein change: p.Asn135Ser; replaces asparagine 135 with serine.
Molecular consequence: missense variant.
Genome position (GRCh38, 1-based): chr15:98,707,871, A>G. VCF-style: chr15-98707871-A-G. GRCh37 (hg19) VCF-style: chr15-99251100-A-G.
Other names: c.404A>G, p.Asn135Ser (NM_001291858.2); short protein forms N135S.
Identifiers: ClinVar variation 2981759 (VCV002981759.3), dbSNP rs2505516305, ClinGen allele CA393697204.